The following is an entry in ClinVar:

NM_024818.6(UBA5):c.512A>G (p.Glu171Gly)

Genes: NPHP3-ACAD11 (NPHP3-ACAD11 readthrough (NMD candidate); minus strand), UBA5 (ubiquitin like modifier activating enzyme 5; plus strand). Cytogenetic location: 3q22.1.
Variant type: single nucleotide variant.
Coding change: c.512A>G on transcript NM_024818.6 (MANE Select); coding-DNA position 512, A replaced by G.
Protein change: p.Glu171Gly; replaces glutamic acid 171 with glycine.
Molecular consequence: missense variant.
Genome position (GRCh38, 1-based): chr3:132,670,982, A>G. VCF-style: chr3-132670982-A-G. GRCh37 (hg19) VCF-style: chr3-132389826-A-G.
Other names: c.344A>G, p.Glu115Gly (NM_001320210.2, NM_198329.4); c.242A>G, p.Glu81Gly (NM_001321238.2); c.176A>G, p.Glu59Gly (NM_001321239.1); c.512A>G (NM_024818.3); short protein forms E81G, E59G, E171G, E115G.
Identifiers: ClinVar variation 1935208 (VCV001935208.3), dbSNP rs763173306, ClinGen allele CA2621378.

ClinVar aggregate classification (germline): Uncertain significance. Review status: criteria provided, multiple submitters, no conflicts (2 of 4 stars). 2 submissions from 2 submitters: Uncertain significance (2). Last evaluated 2025-12-09.

Conditions:
Inborn genetic diseases. Identifiers: MedGen C0950123, MeSH D030342.

Allele frequency attached by ClinVar (database versions not stated): gnomAD exomes below 0.00001; TOPMed 0.00002; ExAC 0.00002; gnomAD 0.00002.
gnomAD v4.1: 8 of 1,613,250 alleles (0.0005%); highest among the groups gnomAD compares: African/African-American, 0.0067%; no homozygotes.

Submissions (2):

Ambry Genetics
Classification: Uncertain significance for Inborn genetic diseases. Last evaluated: 2025-12-09. Review status: criteria provided, single submitter. Criteria: Ambry Variant Classification Scheme 2023. Collection method: clinical testing. Allele origin: germline.

Labcorp Genetics (formerly Invitae), Labcorp
Classification: Uncertain significance. Last evaluated: 2022-07-19. Review status: criteria provided, single submitter. Criteria: Invitae Variant Classification Sherloc (09022015). Collection method: clinical testing. Allele origin: germline.
Comment: This sequence change replaces glutamic acid, which is acidic and polar, with glycine, which is neutral and non-polar, at codon 171 of the UBA5 protein (p.Glu171Gly). This variant is present in population databases (rs763173306, gnomAD 0.007%). This variant has not been reported in the literature in individuals affected with UBA5-related conditions. Algorithms developed to predict the effect of missense changes on protein structure and function are either unavailable or do not agree on the potential impact of this missense change (SIFT: "Not Available"; PolyPhen-2: "Benign"; Align-GVGD: "Not Available"). In summary, the available evidence is currently insufficient to determine the role of this variant in disease. Therefore, it has been classified as a Variant of Uncertain Significance.